The following is an entry in ClinVar:

ClinVar aggregate classification (germline): Benign/Likely benign. Review status: criteria provided, multiple submitters, no conflicts (2 of 4 stars). 6 submissions from 6 submitters: Benign (1); Likely benign (4). 1 of the submissions does not count toward it. Last evaluated 2024-06-17.

Conditions:
Hereditary cancer-predisposing syndrome. Also called: Tumor predisposition; Hereditary neoplastic syndrome; Neoplastic Syndromes, Hereditary; Hereditary Cancer Syndrome. Identifiers: Orphanet 140162, MedGen C0027672, MeSH D009386, MONDO:0015356.
Familial cancer of breast. Also called: Hereditary breast cancer; BREAST CANCER, FAMILIAL; hereditary breast carcinoma. Identifiers: Orphanet 227535, MedGen C0346153, MONDO:0016419, OMIM 114480. Disease mechanism: loss of function.
Ataxia-telangiectasia syndrome (AT). Also called: Ataxia-telangiectasia, complementation group D; AT, COMPLEMENTATION GROUP C; ATAXIA-TELANGIECTASIA, COMPLEMENTATION GROUP A; ATAXIA-TELANGIECTASIA, FRESNO VARIANT; Ataxia-telangiectasia; LOUIS-BAR SYNDROME. Identifiers: Orphanet 100, MedGen C0004135, MONDO:0008840, OMIM 208900.

gnomAD v4.1: 1 of 1,613,830 alleles (0.000062%); no homozygotes.

Submissions (6):

Myriad Genetics, Inc.
Classification: Benign for Familial cancer of breast. Last evaluated: 2024-06-17. Review status: criteria provided, single submitter. Criteria: Myriad Autosomal Dominant, Autosomal Recessive and X-Linked Classification Criteria (2023). Collection method: clinical testing. Allele origin: unknown.
Comment: This variant is considered benign. This variant is a silent/synonymous amino acid change and it is not expected to impact splicing.

Labcorp Genetics (formerly Invitae), Labcorp
Classification: Likely benign for Ataxia-telangiectasia syndrome. Last evaluated: 2024-03-19. Review status: criteria provided, single submitter. Criteria: Invitae Variant Classification Sherloc (09022015). Collection method: clinical testing. Allele origin: germline.

Blueprint Genetics
Classification: Likely benign. Last evaluated: 2022-09-27. Review status: criteria provided, single submitter. Criteria: ACMG Guidelines, 2015. Collection method: clinical testing. Allele origin: germline.

Color Diagnostics, LLC DBA Color Health
Classification: Likely benign for Hereditary cancer-predisposing syndrome. Last evaluated: 2020-03-24. Review status: criteria provided, single submitter. Criteria: ACMG Guidelines, 2015. Collection method: clinical testing. Allele origin: germline.

Ambry Genetics
Classification: Likely benign for Hereditary cancer-predisposing syndrome. Last evaluated: 2020-01-16. Review status: criteria provided, single submitter. Criteria: Ambry Variant Classification Scheme 2023. Collection method: clinical testing. Allele origin: germline.

Natera, Inc.
Classification: Uncertain significance for Ataxia-telangiectasia. Last evaluated: 2025-04-10. Review status: no assertion criteria provided. Collection method: clinical testing. Allele origin: germline. Not counted in ClinVar's aggregate classification.

NM_000051.4(ATM):c.7647A>T (p.Ser2549=)

Genes: ATM (ATM serine/threonine kinase; plus strand), C11orf65 (chromosome 11 open reading frame 65; minus strand). Cytogenetic location: 11q22.3.
Variant type: single nucleotide variant.
Coding change: c.7647A>T on transcript NM_000051.4 (MANE Select); coding-DNA position 7647, A replaced by T.
Protein change: p.Ser2549=; no amino-acid change (serine 2549 retained).
Molecular consequence: synonymous variant. On other transcripts: intron variant (2).
Genome position (GRCh38, 1-based): chr11:108,331,896, A>T. VCF-style: chr11-108331896-A-T. GRCh37 (hg19) VCF-style: chr11-108202623-A-T.
Other names: c.7647A>T, p.Ser2549= (NM_001351834.2); c.641-22825T>A (NM_001330368.2); c.*38+3324T>A (NM_001351110.2).
Identifiers: ClinVar variation 765207 (VCV000765207.17), dbSNP rs1591171175, ClinGen allele CA476677163.
Genomic context (GRCh38, chr11:108,331,896, plus strand): 5'-TTTTTTGTTTATTTGCATAAATCTAATAGTTCTTTTCTTACAGCTAATCTCTAGAATTTC[A>T]ATGGATCACCCCCATCACACTTTGTTTATTATACTGGCCTTAGCAAATGCAAACAGAGAT-3'
Protein context (NP_000042.3, residues 2539-2559): EVLNNLISRI[Ser2549=]MDHPHHTLFI